The following is an entry in ClinVar:

NM_002693.3(POLG):c.414C>G (p.His138Gln)

Genes: POLG (DNA polymerase gamma, catalytic subunit; minus strand), POLGARF (POLG alternative reading frame; minus strand). Cytogenetic location: 15q26.1.
Variant type: single nucleotide variant.
Coding change: c.414C>G on transcript NM_002693.3 (MANE Select); coding-DNA position 414, C replaced by G.
Protein change: p.His138Gln; replaces histidine 138 with glutamine.
Molecular consequence: missense variant.
Genome position (GRCh38, 1-based): chr15:89,333,341, G>C on the plus strand (C>G on the coding strand, the complement: POLG is on the minus strand). VCF-style: chr15-89333341-G-C. GRCh37 (hg19) VCF-style: chr15-89876572-G-C.
Other names: c.414C>G, p.His138Gln (NM_001126131.2); short protein forms H138Q.
Identifiers: ClinVar variation 2013064 (VCV002013064.4), dbSNP rs916364510, ClinGen allele CA393771911.

ClinVar aggregate classification (germline): Uncertain significance (1 of 4 stars; one submission).

Conditions:
Progressive sclerosing poliodystrophy (MTDPS4A). Also called: Mitochondrial DNA Depletion Syndrome 4A; ALPERS PROGRESSIVE INFANTILE POLIODYSTROPHY; NEURONAL DEGENERATION OF CHILDHOOD WITH LIVER DISEASE, PROGRESSIVE; Mitochondrial DNA depletion syndrome 4A (Alpers type); Alpers Syndrome; ALPERS DIFFUSE DEGENERATION OF CEREBRAL GRAY MATTER WITH HEPATIC CIRRHOSIS. Identifiers: Orphanet 726, MedGen C0205710, MONDO:0008758, OMIM 203700.

gnomAD v4.1: 4 of 1,564,978 alleles (0.00026%); highest among the groups gnomAD compares: Non-Finnish European, 0.00035%; no homozygotes.

Submission:

Labcorp Genetics (formerly Invitae), Labcorp
Classification: Uncertain significance for Progressive sclerosing poliodystrophy. Last evaluated: 2022-11-08. Review status: criteria provided, single submitter. Criteria: Invitae Variant Classification Sherloc (09022015). Collection method: clinical testing. Allele origin: germline.
Comment: In summary, the available evidence is currently insufficient to determine the role of this variant in disease. Therefore, it has been classified as a Variant of Uncertain Significance. Advanced modeling of protein sequence and biophysical properties (such as structural, functional, and spatial information, amino acid conservation, physicochemical variation, residue mobility, and thermodynamic stability) performed at Invitae indicates that this missense variant is expected to disrupt POLG protein function. This variant has not been reported in the literature in individuals affected with POLG-related conditions. This variant is present in population databases (no rsID available, gnomAD 0.003%). This sequence change replaces histidine, which is basic and polar, with glutamine, which is neutral and polar, at codon 138 of the POLG protein (p.His138Gln).